The following is an entry in ClinVar:

ClinVar aggregate classification (germline): Pathogenic (1 of 4 stars; one submission).

Conditions:
Long QT syndrome (LQTS). Identifiers: MedGen C0023976, MeSH D008133, MONDO:0002442. Disease mechanism: loss of function. Inheritance: Various modes of inheritance.

Submission:

Labcorp Genetics (formerly Invitae), Labcorp
Classification: Pathogenic for Long QT syndrome. Last evaluated: 2024-11-24. Review status: criteria provided, single submitter. Criteria: Invitae Variant Classification Sherloc (09022015). Collection method: clinical testing. Allele origin: germline.
Comment: This sequence change creates a premature translational stop signal (p.Arg1033Glyfs*25) in the KCNH2 gene. It is expected to result in an absent or disrupted protein product. Loss-of-function variants in KCNH2 are known to be pathogenic (PMID: 10973849, 19862833). This variant is not present in population databases (gnomAD no frequency). This variant has not been reported in the literature in individuals affected with KCNH2-related conditions. ClinVar contains an entry for this variant (Variation ID: 2763043). For these reasons, this variant has been classified as Pathogenic.

Literature cited by the submitters: PubMed 10973849; PubMed 19862833.

NM_000238.4(KCNH2):c.3094_3095dup (p.Arg1033fs)

Gene: KCNH2 (potassium voltage-gated channel subfamily H member 2; minus strand). Cytogenetic location: 7q36.1.
Variant type: Duplication.
Coding change: c.3094_3095dup on transcript NM_000238.4 (MANE Select); coding-DNA positions 3094 to 3095, 2 bases duplicated (CG; older notation c.3094_3095dupCG).
Protein change: p.Arg1033fs; shifts the reading frame from arginine 1033.
Molecular consequence: frameshift variant. On other transcripts: non-coding transcript variant (2).
Genome position (GRCh38, 1-based): chr7:150,947,385-150,947,386, CG duplicated on the plus strand (CG on the coding strand, the reverse complement: KCNH2 is on the minus strand). VCF-style (leftmost placement, unchanged base first): chr7-150947384-C-CCG. GRCh37 (hg19) VCF-style: chr7-150644472-C-CCG.
Other names: c.2806_2807dup, p.Arg937fs (NM_001406753.1); c.2074_2075dup, p.Arg693fs (NM_172057.3); short protein forms R1033fs, R693fs, R937fs.
Identifiers: ClinVar variation 2763043 (VCV002763043.3), dbSNP rs2486004180, ClinGen allele CA2697557664.